The following is an entry in ClinVar:

NM_022124.6(CDH23):c.5369-1G>A

Gene: CDH23 (cadherin related 23; plus strand). Cytogenetic location: 10q22.1.
Variant type: single nucleotide variant.
Coding change: c.5369-1G>A on transcript NM_022124.6 (MANE Select); the canonical splice acceptor site of the intron before coding-DNA position 5369, G replaced by A.
Molecular consequence: splice acceptor variant.
Genome position (GRCh38, 1-based): chr10:71,784,286, G>A. VCF-style: chr10-71784286-G-A. GRCh37 (hg19) VCF-style: chr10-73544043-G-A.
Identifiers: ClinVar variation 1697268 (VCV001697268.2), dbSNP rs1564791773, ClinGen allele CA377144292.

ClinVar aggregate classification (germline): Likely pathogenic. Review status: criteria provided, multiple submitters, no conflicts (2 of 4 stars). 2 submissions from 2 submitters: Likely pathogenic (2). Last evaluated 2026-01-14.

Conditions:
Usher syndrome type 1 (USH1). Also called: RETINITIS PIGMENTOSA AND CONGENITAL DEAFNESS. Identifiers: Orphanet 231169, Orphanet 886, MedGen C1568247, MONDO:0010168, OMIM 276900.
Usher syndrome type 1D (USH1D). Also called: USHER SYNDROME, TYPE ID. Identifiers: Orphanet 231169, Orphanet 886, MedGen C1832845, MONDO:0010984, OMIM 601067.

Allele frequency attached by ClinVar (database versions not stated): gnomAD exomes below 0.00001.
gnomAD v4.1: 1 of 1,612,970 alleles (0.000062%); highest among the groups gnomAD compares: Non-Finnish European, 0.000085%; no homozygotes.

Submissions (2):

Labcorp Genetics (formerly Invitae), Labcorp
Classification: Likely pathogenic. Last evaluated: 2026-01-14. Review status: criteria provided, single submitter. Criteria: Invitae Variant Classification Sherloc (09022015). Collection method: clinical testing. Allele origin: germline.
Comment: This sequence change affects an acceptor splice site in intron 41 of the CDH23 gene. It is expected to disrupt RNA splicing. Variants that disrupt the donor or acceptor splice site typically lead to a loss of protein function (PMID: 16199547), and loss-of-function variants in CDH23 are known to be pathogenic (PMID: 11138009, 21940737). This variant is not present in population databases (gnomAD no frequency). Disruption of this splice site has been observed in individual(s) with deafness (PMID: 31541171). ClinVar contains an entry for this variant (Variation ID: 1697268). Algorithms developed to predict the effect of sequence changes on RNA splicing suggest that this variant may disrupt the consensus splice site. In summary, the currently available evidence indicates that the variant is pathogenic, but additional data are needed to prove that conclusively. Therefore, this variant has been classified as Likely Pathogenic.

Institute of Medical Genetics and Applied Genomics, University Hospital Tübingen
Classification: Likely pathogenic for Usher syndrome type 1D; Usher syndrome type 1. Last evaluated: 2022-07-22. Review status: criteria provided, single submitter. Criteria: ACMG Guidelines, 2015. Collection method: clinical testing. Allele origin: germline. Inheritance: Autosomal recessive inheritance. Affected: yes.

Literature cited by the submitters: PubMed 16199547 (cited by Labcorp Genetics (formerly Invitae), Labcorp); PubMed 11138009 (cited by Labcorp Genetics (formerly Invitae), Labcorp); PubMed 21940737 (cited by Labcorp Genetics (formerly Invitae), Labcorp); PubMed 31541171 (cited by Labcorp Genetics (formerly Invitae), Labcorp).